The following is an entry in ClinVar:

NM_015047.3(EMC1):c.415T>G (p.Ser139Ala)

Gene: EMC1 (ER membrane protein complex subunit 1; minus strand). Cytogenetic location: 1p36.13.
Variant type: single nucleotide variant.
Coding change: c.415T>G on transcript NM_015047.3 (MANE Select); coding-DNA position 415, T replaced by G.
Protein change: p.Ser139Ala; replaces serine 139 with alanine.
Molecular consequence: missense variant.
Genome position (GRCh38, 1-based): chr1:19,242,439, A>C on the plus strand (T>G on the coding strand, the complement: EMC1 is on the minus strand). VCF-style: chr1-19242439-A-C. GRCh37 (hg19) VCF-style: chr1-19568933-A-C.
Other names: c.415T>G, p.Ser139Ala (NM_001271427.2, NM_001271428.2, NM_001375820.1 and 1 more transcripts); c.349T>G, p.Ser117Ala (NM_001271429.2); short protein forms S117A, S139A.
Identifiers: ClinVar variation 1804306 (VCV001804306.1), dbSNP rs759088119, ClinGen allele CA652918.
Genomic context (GRCh38, chr1:19,242,439, plus strand): 5'-CACTGGAGAGGTGATGGAGGGCAAGTGTAGTCTTCTTCAGGACTGCGATGTACCTTACAG[A>C]CTCCTGCAGGCCAACCAGCCCAAGTGCCTGGAAACTGAACACAAGTACAGGTTGAGAGCA-3'
Protein context (NP_055862.1, residues 129-149): QALGLVGLQE[Ser139Ala]VRYIAVLKKT

ClinVar aggregate classification (germline): Uncertain significance (1 of 4 stars; one submission).

Allele frequency attached by ClinVar (database versions not stated): ExAC 0.00002; gnomAD exomes below 0.00001; gnomAD 0.00001.
gnomAD v4.1: 8 of 1,613,820 alleles (0.0005%); highest among the groups gnomAD compares: South Asian, 0.0088%; no homozygotes.

Submission:

GeneDx
Classification: Uncertain significance. Last evaluated: 2022-06-13. Review status: criteria provided, single submitter. Criteria: GeneDx Variant Classification Process June 2021. Collection method: clinical testing. Allele origin: germline. Affected: yes.
Comment: Not observed at significant frequency in large population cohorts (gnomAD); In silico analysis supports that this missense variant does not alter protein structure/function; Has not been previously published as pathogenic or benign to our knowledge